The following is an entry in ClinVar:

NM_003468.4(FZD5):c.607T>A (p.Ser203Thr)

Gene: FZD5 (frizzled class receptor 5; minus strand). Cytogenetic location: 2q33.3.
Variant type: single nucleotide variant.
Coding change: c.607T>A on transcript NM_003468.4 (MANE Select); coding-DNA position 607, T replaced by A.
Protein change: p.Ser203Thr; replaces serine 203 with threonine.
Molecular consequence: missense variant.
Genome position (GRCh38, 1-based): chr2:207,768,133, A>T on the plus strand (T>A on the coding strand, the complement: FZD5 is on the minus strand). VCF-style: chr2-207768133-A-T. GRCh37 (hg19) VCF-style: chr2-208632857-A-T.
Other names: short protein forms S203T.
Identifiers: ClinVar variation 2207738 (VCV002207738.6), dbSNP rs760357450, ClinGen allele CA2076996.

ClinVar aggregate classification (germline): Uncertain significance. Review status: criteria provided, multiple submitters, no conflicts (2 of 4 stars). 2 submissions from 2 submitters: Uncertain significance (2). Last evaluated 2025-07-15.

Conditions:
Inborn genetic diseases. Identifiers: MedGen C0950123, MeSH D030342.

Allele frequency attached by ClinVar (database versions not stated): gnomAD exomes below 0.00001; TOPMed below 0.00001; ExAC 0.00001.

Submissions (2):

Ambry Genetics
Classification: Uncertain significance for Inborn genetic diseases. Last evaluated: 2025-07-15. Review status: criteria provided, single submitter. Criteria: Ambry Variant Classification Scheme 2023. Collection method: clinical testing. Allele origin: germline.

Labcorp Genetics (formerly Invitae), Labcorp
Classification: Uncertain significance. Last evaluated: 2023-04-12. Review status: criteria provided, single submitter. Criteria: Invitae Variant Classification Sherloc (09022015). Collection method: clinical testing. Allele origin: germline.
Comment: In summary, the available evidence is currently insufficient to determine the role of this variant in disease. Therefore, it has been classified as a Variant of Uncertain Significance. Algorithms developed to predict the effect of missense changes on protein structure and function output the following: SIFT: "Not Available"; PolyPhen-2: "Benign"; Align-GVGD: "Not Available". The threonine amino acid residue is found in multiple mammalian species, which suggests that this missense change does not adversely affect protein function. ClinVar contains an entry for this variant (Variation ID: 2207738). This variant has not been reported in the literature in individuals affected with FZD5-related conditions. This variant is present in population databases (rs760357450, gnomAD 0.006%). This sequence change replaces serine, which is neutral and polar, with threonine, which is neutral and polar, at codon 203 of the FZD5 protein (p.Ser203Thr).